The following is an entry in ClinVar:

ClinVar aggregate classification (germline): Pathogenic (1 of 4 stars; one submission).

Submission:

Labcorp Genetics (formerly Invitae), Labcorp
Classification: Pathogenic. Last evaluated: 2026-01-07. Review status: criteria provided, single submitter. Criteria: Invitae Variant Classification Sherloc (09022015). Collection method: clinical testing. Allele origin: germline.
Comment: This sequence change creates a premature translational stop signal (p.Ser440Tyrfs*108) in the HNF1A gene. It is expected to result in an absent or disrupted protein product. Loss-of-function variants in HNF1A are known to be pathogenic (PMID: 15928245, 18003757). This variant is not present in population databases (gnomAD no frequency). This variant has not been reported in the literature in individuals affected with HNF1A-related conditions. For these reasons, this variant has been classified as Pathogenic.

Literature cited by the submitters: PubMed 15928245; PubMed 18003757.

NM_000545.8(HNF1A):c.1319_1320del (p.Ser440fs)

Gene: HNF1A (HNF1 homeobox A; plus strand). Cytogenetic location: 12q24.31.
Variant type: Deletion.
Coding change: c.1319_1320del on transcript NM_000545.8 (MANE Select); coding-DNA positions 1319 to 1320, 2 bases deleted (CC; older notation c.1319_1320delCC).
Protein change: p.Ser440fs; shifts the reading frame from serine 440.
Molecular consequence: frameshift variant. On other transcripts: intron variant (1).
Genome position (GRCh38, 1-based): chr12:120,997,483-120,997,484, CC deleted. VCF-style (leftmost placement, unchanged base first): chr12-120997482-TCC-T. GRCh37 (hg19) VCF-style: chr12-121435285-TCC-T.
Other names: c.1319_1320del, p.Ser440fs (NM_001306179.2); c.1309+741_1309+742del (NM_001406915.1); short protein forms S440fs.
Identifiers: ClinVar variation 4734905 (VCV004734905.1).